The following is an entry in ClinVar:

ClinVar aggregate classification (germline): Uncertain significance. Review status: criteria provided, multiple submitters, no conflicts (2 of 4 stars). 4 submissions from 4 submitters: Uncertain significance (3). 1 of the submissions does not count toward it. Last evaluated 2024-04-15.

Conditions:
Hereditary cancer-predisposing syndrome. Also called: Hereditary Cancer Syndrome; Tumor predisposition; Neoplastic Syndromes, Hereditary; Hereditary neoplastic syndrome. Identifiers: Orphanet 140162, MedGen C0027672, MeSH D009386, MONDO:0015356.
Fanconi anemia (FA). Also called: Fanconi's anemia. Identifiers: Orphanet 84, MedGen C0015625, MeSH D005199, MONDO:0019391.
Fanconi anemia complementation group C (FANCC). Also called: FANCC-Related Fanconi Anemia; Fanconi anemia, group C; FANCONI PANCYTOPENIA, TYPE 3; FACC. Identifiers: Orphanet 84, MedGen C3468041, MONDO:0009213, OMIM 227645.

Allele frequency attached by ClinVar (database versions not stated): TOPMed below 0.00001; gnomAD exomes 0.00001.
gnomAD v4.1: 13 of 1,613,862 alleles (0.00081%); highest among the groups gnomAD compares: Non-Finnish European, 0.0011%; no homozygotes.

Submissions (4):

Labcorp Genetics (formerly Invitae), Labcorp
Classification: Uncertain significance for Fanconi anemia. Last evaluated: 2024-04-15. Review status: criteria provided, single submitter. Criteria: Invitae Variant Classification Sherloc (09022015). Collection method: clinical testing. Allele origin: germline.
Comment: This sequence change falls in intron 14 of the FANCC gene. It does not directly change the encoded amino acid sequence of the FANCC protein. This variant is not present in population databases (gnomAD no frequency). This variant has not been reported in the literature in individuals affected with FANCC-related conditions. ClinVar contains an entry for this variant (Variation ID: 182490). Algorithms developed to predict the effect of sequence changes on RNA splicing suggest that this variant may disrupt the consensus splice site. In summary, the available evidence is currently insufficient to determine the role of this variant in disease. Therefore, it has been classified as a Variant of Uncertain Significance.

GeneDx
Classification: Uncertain significance. Last evaluated: 2022-09-20. Review status: criteria provided, single submitter. Criteria: GeneDx Variant Classification Process June 2021. Collection method: clinical testing. Allele origin: germline. Affected: yes.
Comment: Not observed at significant frequency in large population cohorts (gnomAD); In-silico analysis is inconclusive as to whether the variant alters gene splicing. In the absence of RNA/functional studies, the actual effect of this sequence change is unknown.; Has not been previously published as pathogenic or benign to our knowledge

Ambry Genetics
Classification: Uncertain significance for Hereditary cancer-predisposing syndrome. Last evaluated: 2022-09-12. Review status: criteria provided, single submitter. Criteria: Ambry Variant Classification Scheme 2023. Collection method: clinical testing. Allele origin: germline.
Comment: The c.1534-5T>G intronic variant results from a T to G substitution 5 nucleotides upstream from coding exon 14 in the FANCC gene. This nucleotide position is well conserved in available vertebrate species. In silico splice site analysis predicts that this alteration may weaken the native splice acceptor site. Since supporting evidence is limited at this time, the clinical significance of this alteration remains unclear.

Natera, Inc.
Classification: Uncertain significance for Fanconi anemia, group C. Last evaluated: 2020-09-16. Review status: no assertion criteria provided. Collection method: clinical testing. Allele origin: germline. Not counted in ClinVar's aggregate classification.

NM_000136.3(FANCC):c.1534-5T>G

Genes: AOPEP (aminopeptidase O (putative); plus strand), FANCC (FA complementation group C; minus strand). Cytogenetic location: 9q22.32.
Variant type: single nucleotide variant.
Coding change: c.1534-5T>G on transcript NM_000136.3 (MANE Select); 5 bases into the intron before coding-DNA position 1534, T replaced by G.
Molecular consequence: intron variant.
Genome position (GRCh38, 1-based): chr9:95,101,855, A>C on the plus strand (T>G on the coding strand, the complement: FANCC is on the minus strand). VCF-style: chr9-95101855-A-C. GRCh37 (hg19) VCF-style: chr9-97864137-A-C.
Other names: c.1534-5T>G (NM_001243743.2).
Identifiers: ClinVar variation 182490 (VCV000182490.15), dbSNP rs730881727, ClinGen allele CA299199.